The following is an entry in ClinVar:

NM_001270974.2(HYDIN):c.670C>T (p.Arg224Ter)

Gene: HYDIN (HYDIN axonemal central pair apparatus protein; minus strand). Cytogenetic location: 16q22.2.
Variant type: single nucleotide variant.
Coding change: c.670C>T on transcript NM_001270974.2 (MANE Select); coding-DNA position 670, C replaced by T.
Protein change: p.Arg224Ter; replaces arginine 224 with a stop codon.
Molecular consequence: nonsense.
Genome position (GRCh38, 1-based): chr16:71,162,577, G>A on the plus strand (C>T on the coding strand, the complement: HYDIN is on the minus strand). VCF-style: chr16-71162577-G-A. GRCh37 (hg19) VCF-style: chr16-71196480-G-A.
Other names: c.751C>T, p.Arg251Ter (NM_001198542.1); c.721C>T, p.Arg241Ter (NM_001198543.1); c.670C>T, p.Arg224Ter (NM_017558.5); short protein forms R224*, R241*, R251*.
Identifiers: ClinVar variation 4850266 (VCV004850266.1).
Genomic context (GRCh38, chr16:71,162,577, plus strand): 5'-AAAGGCATGCATACCTACAAGTTTTGATGTGAAATACAGCATTTTTGTTGCCAATGTTTC[G>A]TACCAGCAGAATCTTCTGGGTGCTGTATTTGACAGGACAAGTGGAAAAATTCAGCTTGTC-3'

ClinVar aggregate classification (germline): Likely pathogenic (1 of 4 stars; one submission).

Conditions:
Primary ciliary dyskinesia 5. Also called: CILIARY DYSKINESIA, PRIMARY, 5, WITHOUT SITUS INVERSUS. Identifiers: Orphanet 244, MedGen C1837615, MONDO:0012088, OMIM 608647.

Submission:

First Genomix Gene Laboratory, Genetic Diagnostics Department
Classification: Likely pathogenic for Primary ciliary dyskinesia 5. Last evaluated: 2025-09-08. Review status: criteria provided, single submitter. Criteria: ACMG Guidelines, 2015. Collection method: clinical testing. Allele origin: germline. Inheritance: Autosomal recessive inheritance. Affected: no. Observed: 1 variant allele.